The following is an entry in ClinVar:

NM_206933.4(USH2A):c.14239T>C (p.Ser4747Pro)

Gene: USH2A (usherin; minus strand). Cytogenetic location: 1q41.
Variant type: single nucleotide variant.
Coding change: c.14239T>C on transcript NM_206933.4 (MANE Select); coding-DNA position 14239, T replaced by C.
Protein change: p.Ser4747Pro; replaces serine 4747 with proline.
Molecular consequence: missense variant.
Genome position (GRCh38, 1-based): chr1:215,650,696, A>G on the plus strand (T>C on the coding strand, the complement: USH2A is on the minus strand). VCF-style: chr1-215650696-A-G. GRCh37 (hg19) VCF-style: chr1-215824038-A-G.
Other names: short protein forms S4747P.
Identifiers: ClinVar variation 866982 (VCV000866982.3), dbSNP rs1657035975, ClinGen allele CA344835502.

ClinVar aggregate classification (germline): Uncertain significance. Review status: criteria provided, multiple submitters, no conflicts (2 of 4 stars). 2 submissions from 2 submitters: Uncertain significance (2). Last evaluated 2024-11-24.

Submissions (2):

GeneDx
Classification: Uncertain significance. Last evaluated: 2024-11-24. Review status: criteria provided, single submitter. Criteria: GeneDx Variant Classification Process June 2021. Collection method: clinical testing. Allele origin: germline. Affected: yes.
Comment: Not observed at significant frequency in large population cohorts (gnomAD); In silico analysis indicates that this missense variant does not alter protein structure/function; Has not been previously published as pathogenic or benign to our knowledge

Blueprint Genetics
Classification: Uncertain significance. Last evaluated: 2018-08-06. Review status: criteria provided, single submitter. Criteria: ACMG Guidelines, 2015. Collection method: clinical testing. Allele origin: germline.